The following is an entry in ClinVar:

ClinVar aggregate classification (germline): Pathogenic (1 of 4 stars; one submission).

Conditions:
Ehlers-Danlos syndrome, classic type, 1 (EDSCL1). Also called: EHLERS-DANLOS SYNDROME, GRAVIS TYPE; EHLERS-DANLOS SYNDROME, SEVERE CLASSIC TYPE; Ehlers-Danlos syndrome, type 1; Ehlers-Danlos Syndrome, Classic Type, COL5A1-Related; EDS I. Identifiers: MedGen C0268335, MONDO:0019567, OMIM 130000.

Submission:

Labcorp Genetics (formerly Invitae), Labcorp
Classification: Pathogenic for Ehlers-Danlos syndrome, classic type, 1. Last evaluated: 2023-01-19. Review status: criteria provided, single submitter. Criteria: Invitae Variant Classification Sherloc (09022015). Collection method: clinical testing. Allele origin: germline.
Comment: For these reasons, this variant has been classified as Pathogenic. This variant has not been reported in the literature in individuals affected with COL5A1-related conditions. This variant is not present in population databases (gnomAD no frequency). This sequence change creates a premature translational stop signal (p.Glu1091Glyfs*185) in the COL5A1 gene. It is expected to result in an absent or disrupted protein product. Loss-of-function variants in COL5A1 are known to be pathogenic (PMID: 23587214).

Literature cited by the submitters: PubMed 23587214.

NM_000093.5(COL5A1):c.3272del (p.Glu1091fs)

Gene: COL5A1 (collagen type V alpha 1 chain; plus strand). Cytogenetic location: 9q34.3.
Variant type: Deletion.
Coding change: c.3272del on transcript NM_000093.5 (MANE Select); coding-DNA position 3272, one base deleted (A; older notation c.3272delA).
Protein change: p.Glu1091fs; shifts the reading frame from glutamic acid 1091.
Molecular consequence: frameshift variant.
Genome position (GRCh38, 1-based): chr9:134,806,202, A deleted. VCF-style (leftmost placement, unchanged base first): chr9-134806201-GA-G. GRCh37 (hg19) VCF-style: chr9-137698047-GA-G.
Other names: c.3272del, p.Glu1091fs (NM_001278074.1); short protein forms E1091fs.
Identifiers: ClinVar variation 2815550 (VCV002815550.3), dbSNP rs2490800891, ClinGen allele CA2739265217.